The following is an entry in ClinVar:

NM_033380.3(COL4A5):c.990+1G>A

Gene: COL4A5 (collagen type IV alpha 5 chain; plus strand). Cytogenetic location: Xq22.3.
Variant type: single nucleotide variant.
Coding change: c.990+1G>A on transcript NM_033380.3 (MANE Select); the canonical splice donor site of the intron after coding-DNA position 990, G replaced by A.
Molecular consequence: splice donor variant.
Genome position (GRCh38, 1-based): chrX:108,582,938, G>A. VCF-style: chrX-108582938-G-A. GRCh37 (hg19) VCF-style: chrX-107826168-G-A.
Other names: c.990+1G>A (NM_000495.5).
Identifiers: ClinVar variation 4293023 (VCV004293023.1).
Genomic context (GRCh38, chrX:108,582,938, plus strand): 5'-TTAAAGGGTTTGCCTGGTGATCCTGGTTACCCTGGTGAACCCGGAAGGGATGGTGAAAAG[G>A]TAAGAATTTTAATACTTTGAAGTGACTGGTTTAGTCTAGCTAAAATAATCCTTTTCTTCT-3'

ClinVar aggregate classification (germline): Likely pathogenic (1 of 4 stars; one submission).

Conditions:
X-linked Alport syndrome (ATS1). Also called: COL4A5-Related Nephropathy; NEPHROPATHY AND DEAFNESS, X-LINKED. Identifiers: Orphanet 63, Orphanet 88917, MedGen C4746986, MONDO:0010520, OMIM 301050.

Submission:

3billion
Classification: Likely pathogenic for X-linked Alport syndrome. Last evaluated: 2024-11-26. Review status: criteria provided, single submitter. Criteria: ACMG Guidelines, 2015. Collection method: clinical testing. Allele origin: germline. Affected: yes.
Comment: The variant is not observed in the gnomAD v4.1.0 dataset. Predicted Consequence/Location: Canonical splice site: predicted to alter splicing and result in a loss or disruption of normal protein function. Multiple pathogenic loss-of-function variants are reported downstream of the variant. In silico tools predict the variant to alter splicing and produce an abnormal transcript [SpliceAI: 0.98 (spliceogenicity >=0.2, non-spliceogenicity <0.1)]. Therefore, this variant is classified as Likely pathogenic according to the recommendation of ACMG/AMP guideline.